The following is an entry in ClinVar:

ClinVar aggregate classification (germline): Uncertain significance (1 of 4 stars; one submission).

Conditions:
3-methylglutaconic aciduria, type VIIB (MGCA7B). Also called: CLPB Deficiency; 3-methylglutaconic aciduria, type VII, with cataracts, neurologic involvement and neutropenia; 3-methylglutaconic aciduria with cataracts, neurologic involvement and neutropenia. Identifiers: Orphanet 445038, MedGen C5676893, MONDO:0014561, OMIM 616271.

Submission:

Labcorp Genetics (formerly Invitae), Labcorp
Classification: Uncertain significance for 3-methylglutaconic aciduria, type VIIB. Last evaluated: 2022-02-06. Review status: criteria provided, single submitter. Criteria: Invitae Variant Classification Sherloc (09022015). Collection method: clinical testing. Allele origin: germline.
Comment: Algorithms developed to predict the effect of missense changes on protein structure and function are either unavailable or do not agree on the potential impact of this missense change (SIFT: "Deleterious"; PolyPhen-2: "Probably Damaging"; Align-GVGD: "Class C0"). In summary, the available evidence is currently insufficient to determine the role of this variant in disease. Therefore, it has been classified as a Variant of Uncertain Significance. This variant has not been reported in the literature in individuals affected with CLPB-related conditions. This variant is not present in population databases (gnomAD no frequency). This sequence change replaces lysine, which is basic and polar, with arginine, which is basic and polar, at codon 458 of the CLPB protein (p.Lys458Arg).

NM_001258392.3(CLPB):c.1283A>G (p.Lys428Arg)

Genes: CLPB (ClpB family mitochondrial disaggregase; minus strand), LOC126861258 (MED14-independent group 3 enhancer GRCh37_chr11:72012242-72013441; plus strand). Cytogenetic location: 11q13.4.
Variant type: single nucleotide variant.
Coding change: c.1283A>G on transcript NM_001258392.3 (MANE Select); coding-DNA position 1283, A replaced by G.
Protein change: p.Lys428Arg; replaces lysine 428 with arginine.
Molecular consequence: missense variant.
Genome position (GRCh38, 1-based): chr11:72,301,849, T>C on the plus strand (A>G on the coding strand, the complement: CLPB is on the minus strand). VCF-style: chr11-72301849-T-C. GRCh37 (hg19) VCF-style: chr11-72012893-T-C.
Other names: c.1196A>G, p.Lys399Arg (NM_001258393.3); c.1238A>G, p.Lys413Arg (NM_001258394.3); c.1373A>G, p.Lys458Arg (NM_030813.6); short protein forms K428R, K413R, K458R, K399R.
Identifiers: ClinVar variation 2047241 (VCV002047241.4), dbSNP rs2539343253, ClinGen allele CA381732598.
Genomic context (GRCh38, chr11:72,301,849, plus strand): 5'-CCAAGGTGACTCACCTCATCAAACAGCTGCAGCATGATGGTGAGCACATCTGGATGGGCC[T>C]TGTCTACTTCATCAAAGAGCACCACAGCATTGGGGCACTGCTTCAACTTCTTGGTCAGCT-3'
Protein context (NP_001245321.1, residues 418-438): NAVVLFDEVD[Lys428Arg]AHPDVLTIML